The following is an entry in ClinVar:

ClinVar aggregate classification (germline): Uncertain significance (1 of 4 stars; one submission).

Conditions:
Catecholaminergic polymorphic ventricular tachycardia 1. Also called: VENTRICULAR TACHYCARDIA, CATECHOLAMINERGIC POLYMORPHIC, 1, WITH OR WITHOUT ATRIAL DYSFUNCTION AND/OR DILATED CARDIOMYOPATHY; VENTRICULAR TACHYCARDIA, STRESS-INDUCED POLYMORPHIC 1; RYR2-Related Catecholaminergic Polymorphic Ventricular Tachycardia. Identifiers: Orphanet 3286, MedGen C1631597, MONDO:0011484, OMIM 604772.

Submission:

Labcorp Genetics (formerly Invitae), Labcorp
Classification: Uncertain significance for Catecholaminergic polymorphic ventricular tachycardia 1. Last evaluated: 2023-01-20. Review status: criteria provided, single submitter. Criteria: Invitae Variant Classification Sherloc (09022015). Collection method: clinical testing. Allele origin: germline.
Comment: This variant has not been reported in the literature in individuals affected with RYR2-related conditions. In summary, the available evidence is currently insufficient to determine the role of this variant in disease. Therefore, it has been classified as a Variant of Uncertain Significance. Advanced modeling of protein sequence and biophysical properties (such as structural, functional, and spatial information, amino acid conservation, physicochemical variation, residue mobility, and thermodynamic stability) performed at Invitae indicates that this missense variant is expected to disrupt RYR2 protein function. This variant is not present in population databases (gnomAD no frequency). This sequence change replaces tryptophan, which is neutral and slightly polar, with glycine, which is neutral and non-polar, at codon 4630 of the RYR2 protein (p.Trp4630Gly).

NM_001035.3(RYR2):c.13888T>G (p.Trp4630Gly)

Gene: RYR2 (ryanodine receptor 2; plus strand). Cytogenetic location: 1q43.
Variant type: single nucleotide variant.
Coding change: c.13888T>G on transcript NM_001035.3 (MANE Select); coding-DNA position 13888, T replaced by G.
Protein change: p.Trp4630Gly; replaces tryptophan 4630 with glycine.
Molecular consequence: missense variant.
Genome position (GRCh38, 1-based): chr1:237,793,972, T>G. VCF-style: chr1-237793972-T-G. GRCh37 (hg19) VCF-style: chr1-237957272-T-G.
Other names: short protein forms W4630G.
Identifiers: ClinVar variation 2830339 (VCV002830339.3), dbSNP rs2527950338, ClinGen allele CA345418334.